The following is an entry in ClinVar:

ClinVar aggregate classification (germline): Benign (1 of 4 stars; one submission).

Allele frequency attached by ClinVar (database versions not stated): 1000 Genomes Project 0.14397; 1000 Genomes Project 30x 0.14663; gnomAD 0.15321 and 0.15642; TOPMed 0.15935.
gnomAD v4.1: 23,359 of 151,506 alleles (15%); highest among the groups gnomAD compares: Middle Eastern, 21%; 1,902 homozygotes.

Submission:

GeneDx
Classification: Benign. Last evaluated: 2018-06-14. Review status: criteria provided, single submitter. Criteria: GeneDx Variant Classification (06012015). Collection method: clinical testing. Allele origin: germline. Affected: yes.
Comment: This variant is considered likely benign or benign based on one or more of the following criteria: it is a conservative change, it occurs at a poorly conserved position in the protein, it is predicted to be benign by multiple in silico algorithms, and/or has population frequency not consistent with disease.

NM_012062.5(DNM1L):c.740+163G>A

Gene: DNM1L (dynamin 1 like; plus strand). Cytogenetic location: 12p11.21.
Variant type: single nucleotide variant.
Coding change: c.740+163G>A on transcript NM_012062.5 (MANE Select); 163 bases into the intron after coding-DNA position 740, G replaced by A.
Molecular consequence: intron variant.
Genome position (GRCh38, 1-based): chr12:32,718,926, G>A. VCF-style: chr12-32718926-G-A. GRCh37 (hg19) VCF-style: chr12-32871860-G-A.
Other names: c.779+163G>A (NM_001278464.2, NM_001278465.2, NM_001330380.2); c.132-1738G>A (NM_001278466.2); c.740+163G>A (NM_001278463.2, NM_012063.4, NM_005690.5).
Identifiers: ClinVar variation 678579 (VCV000678579.1), dbSNP rs7970914, ClinGen allele CA15740955.